The following is an entry in ClinVar:

NM_018136.5(ASPM):c.4276A>G (p.Ile1426Val)

Gene: ASPM (assembly factor for spindle microtubules; minus strand). Cytogenetic location: 1q31.3.
Variant type: single nucleotide variant.
Coding change: c.4276A>G on transcript NM_018136.5 (MANE Select); coding-DNA position 4276, A replaced by G.
Protein change: p.Ile1426Val; replaces isoleucine 1426 with valine.
Molecular consequence: missense variant. On other transcripts: intron variant (1).
Genome position (GRCh38, 1-based): chr1:197,104,975, T>C on the plus strand (A>G on the coding strand, the complement: ASPM is on the minus strand). VCF-style: chr1-197104975-T-C. GRCh37 (hg19) VCF-style: chr1-197074105-T-C.
Other names: c.4066-8811A>G (NM_001206846.2); short protein forms I1426V.
Identifiers: ClinVar variation 2285687 (VCV002285687.4), dbSNP rs770161657, ClinGen allele CA1309960.

ClinVar aggregate classification (germline): Conflicting classifications of pathogenicity. Review status: criteria provided, conflicting classifications (1 of 4 stars). 2 submissions from 2 submitters: Uncertain significance (1); Likely benign (1). Last evaluated 2025-03-03.

Conditions:
Inborn genetic diseases. Identifiers: MedGen C0950123, MeSH D030342.

Allele frequency attached by ClinVar (database versions not stated): ExAC 0.00002; gnomAD exomes 0.00001.
gnomAD v4.1: 11 of 1,611,930 alleles (0.00068%); highest among the groups gnomAD compares: African/African-American, 0.0067%; no homozygotes.

Submissions (2):

Labcorp Genetics (formerly Invitae), Labcorp
Classification: Uncertain significance. Last evaluated: 2025-03-03. Review status: criteria provided, single submitter. Criteria: Invitae Variant Classification Sherloc (09022015). Collection method: clinical testing. Allele origin: germline.
Comment: This sequence change replaces isoleucine, which is neutral and non-polar, with valine, which is neutral and non-polar, at codon 1426 of the ASPM protein (p.Ile1426Val). This variant is present in population databases (rs770161657, gnomAD 0.0009%). This variant has not been reported in the literature in individuals affected with ASPM-related conditions. ClinVar contains an entry for this variant (Variation ID: 2285687). Invitae Evidence Modeling of protein sequence and biophysical properties (such as structural, functional, and spatial information, amino acid conservation, physicochemical variation, residue mobility, and thermodynamic stability) indicates that this missense variant is not expected to disrupt ASPM protein function with a negative predictive value of 80%. In summary, the available evidence is currently insufficient to determine the role of this variant in disease. Therefore, it has been classified as a Variant of Uncertain Significance.

Ambry Genetics
Classification: Likely benign for Inborn genetic diseases. Last evaluated: 2022-04-25. Review status: criteria provided, single submitter. Criteria: Ambry Variant Classification Scheme 2023. Collection method: clinical testing. Allele origin: germline.